The following is an entry in ClinVar:

NM_003384.3(VRK1):c.1123T>C (p.Trp375Arg)

Gene: VRK1 (VRK serine/threonine kinase 1; plus strand). Cytogenetic location: 14q32.2.
Variant type: single nucleotide variant.
Coding change: c.1123T>C on transcript NM_003384.3 (MANE Select); coding-DNA position 1123, T replaced by C.
Protein change: p.Trp375Arg; replaces tryptophan 375 with arginine.
Molecular consequence: missense variant.
Genome position (GRCh38, 1-based): chr14:96,876,084, T>C. VCF-style: chr14-96876084-T-C. GRCh37 (hg19) VCF-style: chr14-97342421-T-C.
Other names: short protein forms W375R.
Identifiers: ClinVar variation 663222 (VCV000663222.7), dbSNP rs1595691599, ClinGen allele CA390932470.

ClinVar aggregate classification (germline): Uncertain significance (1 of 4 stars; one submission).

Conditions:
Pontocerebellar hypoplasia type 1A (PCH1A). Also called: PONTOCEREBELLAR HYPOPLASIA WITH ANTERIOR HORN CELL DISEASE; PONTOCEREBELLAR HYPOPLASIA WITH INFANTILE SPINAL MUSCULAR ATROPHY. Identifiers: Orphanet 2254, Orphanet 88616, MedGen C1843504, MONDO:0011866, OMIM 607596.

Submission:

Labcorp Genetics (formerly Invitae), Labcorp
Classification: Uncertain significance for Pontocerebellar hypoplasia type 1A. Last evaluated: 2021-08-28. Review status: criteria provided, single submitter. Criteria: Invitae Variant Classification Sherloc (09022015). Collection method: clinical testing. Allele origin: germline.
Comment: This sequence change replaces tryptophan with arginine at codon 375 of the VRK1 protein (p.Trp375Arg). The tryptophan residue is weakly conserved and there is a moderate physicochemical difference between tryptophan and arginine. This variant is not present in population databases (ExAC no frequency). This variant has not been reported in the literature in individuals affected with VRK1-related conditions. Algorithms developed to predict the effect of missense changes on protein structure and function (SIFT, PolyPhen-2, Align-GVGD) all suggest that this variant is likely to be tolerated. In summary, the available evidence is currently insufficient to determine the role of this variant in disease. Therefore, it has been classified as a Variant of Uncertain Significance.